The following is an entry in ClinVar:

ClinVar aggregate classification (germline): Pathogenic (1 of 4 stars; one submission).

Conditions:
Hereditary cancer-predisposing syndrome. Also called: Hereditary Cancer Syndrome; Tumor predisposition; Neoplastic Syndromes, Hereditary; Hereditary neoplastic syndrome. Identifiers: Orphanet 140162, MedGen C0027672, MeSH D009386, MONDO:0015356.

Submission:

Ambry Genetics
Classification: Pathogenic for Hereditary cancer-predisposing syndrome. Last evaluated: 2026-02-05. Review status: criteria provided, single submitter. Criteria: Ambry Variant Classification Scheme 2023. Collection method: clinical testing. Allele origin: germline.
Comment: The c.4153delG pathogenic mutation, located in coding exon 28 of the SMARCA4 gene, results from a deletion of one nucleotide at nucleotide position 4153, causing a translational frameshift with a predicted alternate stop codon (p.E1385Rfs*110). This variant is considered to be rare based on population cohorts in the Genome Aggregation Database (gnomAD). This alteration is expected to result in loss of function by premature protein truncation or nonsense-mediated mRNA decay. Loss-of-function variants in SMARCA4 are known to cause rhabdoid tumor predisposition syndrome including small cell carcinoma of the ovary-hypercalcemic type (SCCOHT); however, such associations with neurodevelopmental disorders are exceedingly rare (Kosho T et al. Am J Med Genet C Semin Med Genet. 2014 Sep;166C(3):262-75; Jelinic P et al. Nat Genet. 2014 May;46(5):424-6). Based on the supporting evidence, this alteration is pathogenic for rhabdoid tumor predisposition syndrome; however, the association of this alteration with Coffin-Siris syndrome is unlikely.

NM_003072.5(SMARCA4):c.4153del (p.Glu1385fs)

Gene: SMARCA4 (SWI/SNF related BAF chromatin remodeling complex subunit ATPase 4; plus strand). Cytogenetic location: 19p13.2.
Variant type: Deletion.
Coding change: c.4153del on transcript NM_003072.5 (MANE Select); coding-DNA position 4153, one base deleted (G; older notation c.4153delG).
Protein change: p.Glu1385fs; shifts the reading frame from glutamic acid 1385.
Molecular consequence: frameshift variant. On other transcripts: non-coding transcript variant (1).
Genome position (GRCh38, 1-based): chr19:11,035,115, G deleted; the last of 2 consecutive G bases (chr19:11,035,114-11,035,115); deleting either gives the same sequence. VCF-style (leftmost placement, unchanged base first): chr19-11035113-CG-C. GRCh37 (hg19) VCF-style: chr19-11145789-CG-C.
Other names: c.4153del, p.Glu1385fs (NM_001128844.3, NM_001128849.3); c.4054del, p.Glu1352fs (NM_001128845.2, NM_001128846.2, NM_001128847.4 and 2 more transcripts); short protein forms E1352fs, E1385fs.
Identifiers: ClinVar variation 824633 (VCV000824633.5), dbSNP rs1600407324, ClinGen allele CA915951640.
Genomic context (GRCh38, chr19:11,035,113, plus strand): 5'-AGAAGATGTTCGGCCGTGGCTCCCGCCACCGCAAGGAGGTGGACTACAGCGACTCACTGA[CG>C]GAGAAGCAGTGGCTCAAGGTACATGCTGGAGAGGCCCAGCAGCTGCCGCAGGCCAGCGCC-3'